The following is an entry in ClinVar:

NM_002495.4(NDUFS4):c.119G>A (p.Trp40Ter)

Gene: NDUFS4 (NADH:ubiquinone oxidoreductase subunit S4; plus strand). Cytogenetic location: 5q11.2.
Variant type: single nucleotide variant.
Coding change: c.119G>A on transcript NM_002495.4 (MANE Select); coding-DNA position 119, G replaced by A.
Protein change: p.Trp40Ter; replaces tryptophan 40 with a stop codon.
Molecular consequence: nonsense. On other transcripts: non-coding transcript variant (3).
Genome position (GRCh38, 1-based): chr5:53,603,472, G>A. VCF-style: chr5-53603472-G-A. GRCh37 (hg19) VCF-style: chr5-52899302-G-A.
Other names: c.119G>A, p.Trp40Ter (NM_001318051.2); short protein forms W40*.
Identifiers: ClinVar variation 4852787 (VCV004852787.1).
Genomic context (GRCh38, chr5:53,603,472, plus strand): 5'-TTGCCTGGATCCTTTTTTAACTTAAAGTCTTGCACTGCAGGTCGTTGAGGACTTCCACAT[G>A]GAGATTGGCACAGGACCAGACTCAAGACACACAACTCATAACAGTTGATGAAAAATTGGT-3'

ClinVar aggregate classification (germline): Likely pathogenic (1 of 4 stars; one submission).

Conditions:
Mitochondrial complex I deficiency, nuclear type 1. Also called: NADH-COENZYME Q REDUCTASE DEFICIENCY; MITOCHONDRIAL NADH DEHYDROGENASE COMPONENT OF COMPLEX I, DEFICIENCY OF. Identifiers: MedGen C6022305, MONDO:0100224, OMIM 252010.

gnomAD v4.1: 3 of 1,613,464 alleles (0.00019%); highest among the groups gnomAD compares: South Asian, 0.0033%; no homozygotes.

Submission:

Diagnostics Services (NGS), CSIR - Centre For Cellular And Molecular Biology
Classification: Likely pathogenic for Mitochondrial complex I deficiency, nuclear type 1. Last evaluated: 2026-04-30. Review status: criteria provided, single submitter. Criteria: ACMG Guidelines, 2015. Collection method: clinical testing. Allele origin: germline. Observed: 1 variant allele, 1 heterozygote.
Comment: The c.119G>A variant is not present in publicly available population databases like 1000 Genomes, gnomAD, EVS, Indian Exome Database or our internal database. This variant has neither been published in the literature for NDUFS4-related conditions nor reported to clinical databases like Human Genome Mutation Database (HGMD), ClinVar or OMIM in any affected individuals. In-silico pathogenicity prediction programs like MutationTaster2, CADD, Franklin, Varsome etc predicted this variant to be likely deleterious. This variant creates a premature translational stop codon at the 40th amino acid position of the wild-type transcript that may either result in translation of a truncated protein or cause nonsense-mediated decay of the mRNA.